The following is an entry in ClinVar:

ClinVar aggregate classification (germline): Conflicting classifications of pathogenicity. Review status: criteria provided, conflicting classifications (1 of 4 stars). 3 submissions from 3 submitters: Uncertain significance (1); Likely benign (1). 1 of the submissions does not count toward it. Last evaluated 2024-02-03.

Conditions:
PCNT-related disorder. Also called: PCNT-related condition.

Allele frequency attached by ClinVar (database versions not stated): gnomAD exomes 0.00001; ExAC 0.00002; TOPMed 0.00002; ESP Exome Variant Server 0.00008; gnomAD 0.00003.
gnomAD v4.1: 60 of 1,613,878 alleles (0.0037%); highest among the groups gnomAD compares: Middle Eastern, 0.016%; no homozygotes.

Submissions (3):

Labcorp Genetics (formerly Invitae), Labcorp
Classification: Likely benign. Last evaluated: 2024-02-03. Review status: criteria provided, single submitter. Criteria: Invitae Variant Classification Sherloc (09022015). Collection method: clinical testing. Allele origin: germline.

Genetic Services Laboratory, University of Chicago
Classification: Uncertain significance. Last evaluated: 2015-08-10. Review status: criteria provided, single submitter. Criteria: ACMG Guidelines, 2015. Collection method: clinical testing. Allele origin: germline. Affected: no.

PreventionGenetics, part of Exact Sciences
Classification: Likely benign for PCNT-related condition. Last evaluated: 2024-02-13. Review status: no assertion criteria provided. Collection method: clinical testing. Allele origin: germline. Not counted in ClinVar's aggregate classification.
Comment: This variant is classified as likely benign based on ACMG/AMP sequence variant interpretation guidelines (Richards et al. 2015 PMID: 25741868, with internal and published modifications).

NM_006031.6(PCNT):c.1743C>T (p.Leu581=)

Gene: PCNT (pericentrin; plus strand). Cytogenetic location: 21q22.3.
Variant type: single nucleotide variant.
Coding change: c.1743C>T on transcript NM_006031.6 (MANE Select); coding-DNA position 1743, C replaced by T.
Protein change: p.Leu581=; no amino-acid change (leucine 581 retained).
Molecular consequence: synonymous variant.
Genome position (GRCh38, 1-based): chr21:46,354,050, C>T. VCF-style: chr21-46354050-C-T. GRCh37 (hg19) VCF-style: chr21-47773964-C-T.
Other names: c.1389C>T, p.Leu463= (NM_001315529.2).
Identifiers: ClinVar variation 436182 (VCV000436182.10), dbSNP rs375581809, ClinGen allele CA10078724.
Genomic context (GRCh38, chr21:46,354,050, plus strand): 5'-GTCCTGTGTGGGTTTAGAAGAGAAACCTGAGAAAGGAAGAAAAGATCACGTTGATGAACT[C>T]GAGCCTGAGCGACATAAGGTAATTGGCCGCGCGCTGAGAAGTGGGGGAGTCCTGTGCTCT-3'
Protein context (NP_006022.3, residues 571-591): EKGRKDHVDE[Leu581=]EPERHKESLP